The following is an entry in ClinVar:

ClinVar aggregate classification (germline): Uncertain significance (1 of 4 stars; one submission).

Conditions:
Inborn genetic diseases. Identifiers: MedGen C0950123, MeSH D030342.

Submission:

Ambry Genetics
Classification: Uncertain significance for Inborn genetic diseases. Last evaluated: 2024-09-02. Review status: criteria provided, single submitter. Criteria: Ambry Variant Classification Scheme 2023. Collection method: clinical testing. Allele origin: germline.
Comment: The p.R2116K variant (also known as c.6347G>A), located in coding exon 38 of the ATR gene, results from a G to A substitution at nucleotide position 6347. The arginine at codon 2116 is replaced by lysine, an amino acid with highly similar properties. This amino acid position is conserved. In addition, this alteration is predicted to be tolerated by in silico analysis. Based on the available evidence, the clinical significance of this variant remains unclear.

NM_001184.4(ATR):c.6347G>A (p.Arg2116Lys)

Gene: ATR (ATR serine/threonine kinase; minus strand). Cytogenetic location: 3q23.
Variant type: single nucleotide variant.
Coding change: c.6347G>A on transcript NM_001184.4 (MANE Select); coding-DNA position 6347, G replaced by A.
Protein change: p.Arg2116Lys; replaces arginine 2116 with lysine.
Molecular consequence: missense variant.
Genome position (GRCh38, 1-based): chr3:142,469,542, C>T on the plus strand (G>A on the coding strand, the complement: ATR is on the minus strand). VCF-style: chr3-142469542-C-T. GRCh37 (hg19) VCF-style: chr3-142188384-C-T.
Other names: c.6155G>A, p.Arg2052Lys (NM_001354579.2); short protein forms R2052K, R2116K.
Identifiers: ClinVar variation 3462598 (VCV003462598.1).